The following is an entry in ClinVar:

NM_020297.4(ABCC9):c.3772-65C>T

Genes: ABCC9 (ATP binding cassette subfamily C member 9; minus strand), KCNJ8-AS1 (KCNJ8 antisense RNA 1; plus strand). Cytogenetic location: 12p12.1.
Variant type: single nucleotide variant.
Coding change: c.3772-65C>T on transcript NM_020297.4 (MANE Select); 65 bases into the intron before coding-DNA position 3772, C replaced by T.
Molecular consequence: intron variant.
Genome position (GRCh38, 1-based): chr12:21,817,372, G>A on the plus strand (C>T on the coding strand, the complement: ABCC9 is on the minus strand). VCF-style: chr12-21817372-G-A. GRCh37 (hg19) VCF-style: chr12-21970306-G-A.
Other names: c.2905-65C>T (NM_001377274.1); c.3772-65C>T (NM_005691.4, NM_001377273.1).
Identifiers: ClinVar variation 675788 (VCV000675788.2), dbSNP rs114958142, ClinGen allele CA233616331.

ClinVar aggregate classification (germline): Likely benign. Review status: criteria provided, multiple submitters, no conflicts (2 of 4 stars). 2 submissions from 2 submitters: Likely benign (2). Last evaluated 2018-06-16.

Allele frequency attached by ClinVar (database versions not stated): 1000 Genomes Project 30x 0.00890; gnomAD 0.00931 and 0.01010; 1000 Genomes Project 0.00938; TOPMed 0.01068.
gnomAD v4.1: 3,068 of 1,520,640 alleles (0.2%); highest among the groups gnomAD compares: African/African-American, 3.3%; 44 homozygotes.

Submissions (2):

GeneDx
Classification: Likely benign. Last evaluated: 2018-06-16. Review status: criteria provided, single submitter. Criteria: GeneDx Variant Classification (06012015). Collection method: clinical testing. Allele origin: germline. Affected: yes.
Comment: This variant is considered likely benign or benign based on one or more of the following criteria: it is a conservative change, it occurs at a poorly conserved position in the protein, it is predicted to be benign by multiple in silico algorithms, and/or has population frequency not consistent with disease.

Breakthrough Genomics
Classification: Likely benign. Review status: criteria provided, single submitter. Criteria: ACMG Guidelines, 2015. Collection method: not provided. Allele origin: germline. Inheritance: Autosomal recessive inheritance. Affected: yes.